The following is an entry in ClinVar:

ClinVar aggregate classification (germline): Uncertain significance (1 of 4 stars; one submission).

Conditions:
Hypertrophic cardiomyopathy. Also called: HYPERTROPHIC MYOCARDIOPATHY. Identifiers: Orphanet 217569, MedGen C0007194, MeSH D002312, MONDO:0005045, HP:0001639.

Submission:

Labcorp Genetics (formerly Invitae), Labcorp
Classification: Uncertain significance for Hypertrophic cardiomyopathy. Last evaluated: 2023-12-01. Review status: criteria provided, single submitter. Criteria: Invitae Variant Classification Sherloc (09022015). Collection method: clinical testing. Allele origin: germline.
Comment: This variant, c.591_608del, results in the deletion of 6 amino acid(s) of the MYOM1 protein (p.Lys206_Ser211del), but otherwise preserves the integrity of the reading frame. This variant is present in population databases (rs756963726, gnomAD 0.007%). This variant has been observed in individual(s) with sudden death in the young (PMID: 28986455). Experimental studies and prediction algorithms are not available or were not evaluated, and the functional significance of this variant is currently unknown. In summary, the available evidence is currently insufficient to determine the role of this variant in disease. Therefore, it has been classified as a Variant of Uncertain Significance.

Literature cited by the submitters: PubMed 28986455.

NM_003803.4(MYOM1):c.591_608del (p.194KQSTAS[2])

Gene: MYOM1 (myomesin 1; minus strand). Cytogenetic location: 18p11.31.
Variant type: Deletion.
Coding change: c.591_608del on transcript NM_003803.4 (MANE Select); coding-DNA positions 591 to 608, 18 bases deleted (GGCATCCAAGCAGTCCAC).
Protein change: p.194KQSTAS[2].
Molecular consequence: inframe deletion.
Genome position (GRCh38, 1-based): chr18:3,188,911-3,188,928, GTGGACTGCTTGGATGCC deleted on the plus strand (GGCATCCAAGCAGTCCAC on the coding strand, the reverse complement: MYOM1 is on the minus strand); deleting any 18 consecutive bases within chr18:3,188,911-3,188,939 gives the same sequence; the c. name uses the placement nearest the transcript's 3' end. VCF-style (leftmost placement, unchanged base first): chr18-3188910-TGTGGACTGCTTGGATGCC-T. GRCh37 (hg19) VCF-style: chr18-3188908-TGTGGACTGCTTGGATGCC-T.
Other names: c.591_608del, p.194KQSTAS[2] (NM_019856.2).
Identifiers: ClinVar variation 2728113 (VCV002728113.3), dbSNP rs756963726, ClinGen allele CA8875201.
Genomic context (GRCh38, chr18:3,188,910, plus strand): 5'-GGAAACCACAGACTGCCTGGATGCCGTGGACTGCCTGGATGCCGTGGACTGCTTGGATGC[TGTGGACTGCTTGGATGCC>T]GTGGACTGCTTAGATGCCGTGGTCTGCTTGGATGCCGTGGACTGTTTAGATGTTGTGATT-3'